The following is an entry in ClinVar:

ClinVar aggregate classification (germline): Uncertain significance. Review status: criteria provided, multiple submitters, no conflicts (2 of 4 stars). 3 submissions from 3 submitters: Uncertain significance (3). Last evaluated 2026-02-24.

Conditions:
PLEC-related disorder. Also called: PLEC-related condition; PLEC-related disorders.
Epidermolysis bullosa simplex, Ogna type (EBS5A). Also called: EPIDERMOLYSIS BULLOSA SIMPLEX 5A, OGNA TYPE; Pidermolysis bullosa simplex 5A, Ogna type. Identifiers: Orphanet 79401, MedGen C0432317, MONDO:0007555, OMIM 131950.
Epidermolysis bullosa simplex 5C, with pyloric atresia (EBS5C). Also called: PLEC1-Related Epidermolysis Bullosa with Pyloric Atresia; PLEC-Related Epidermolysis Bullosa with Pyloric Atresia; Epidermolysis bullosa simplex with pyloric atresia. Identifiers: Orphanet 158684, MedGen C2677349, MONDO:0012807, OMIM 612138.
Autosomal recessive limb-girdle muscular dystrophy type 2Q (LGMDR17). Also called: MUSCULAR DYSTROPHY, LIMB-GIRDLE, AUTOSOMAL RECESSIVE 17. Identifiers: Orphanet 254361, MedGen C3150989, MONDO:0013390, OMIM 613723.
Epidermolysis bullosa simplex 5B, with muscular dystrophy (EBS5B). Also called: EPIDERMOLYSIS BULLOSA SIMPLEX AND LIMB-GIRDLE MUSCULAR DYSTROPHY; Epidermolysis bullosa simplex with muscular dystrophy. Identifiers: Orphanet 257, MedGen C2931072, MONDO:0009181, OMIM 226670.
Epidermolysis bullosa simplex with nail dystrophy (EBS5D). Identifiers: MedGen C4225309, MONDO:0014661, OMIM 616487.

Allele frequency attached by ClinVar (database versions not stated): ExAC 0.00007.
gnomAD v4.1: 16 of 1,594,132 alleles (0.001%); highest among the groups gnomAD compares: African/African-American, 0.0094%; no homozygotes.

Submissions (3):

PreventionGenetics, part of Exact Sciences
Classification: Uncertain significance for PLEC-related condition. Last evaluated: 2026-02-24. Review status: criteria provided, single submitter. Criteria: ACMG Guidelines, 2015. Collection method: clinical testing. Allele origin: germline.
Comment: The PLEC c.3520G>A variant is predicted to result in the amino acid substitution p.Asp1174Asn. To our knowledge, this variant has not been reported in the literature. This variant is reported in 0.0096% of alleles in individuals of African descent in gnomAD. At this time, the clinical significance of this variant is uncertain due to the absence of conclusive functional and genetic evidence.

Labcorp Genetics (formerly Invitae), Labcorp
Classification: Uncertain significance for Autosomal recessive limb-girdle muscular dystrophy type 2Q; Epidermolysis bullosa simplex, Ogna type; Epidermolysis bullosa simplex with nail dystrophy; Epidermolysis bullosa simplex 5C, with pyloric atresia; Epidermolysis bullosa simplex 5B, with muscular dystrophy. Last evaluated: 2025-07-08. Review status: criteria provided, single submitter. Criteria: Invitae Variant Classification Sherloc (09022015). Collection method: clinical testing. Allele origin: germline.
Comment: This sequence change replaces aspartic acid, which is acidic and polar, with asparagine, which is neutral and polar, at codon 1174 of the PLEC protein (p.Asp1174Asn). This variant is present in population databases (rs782758381, gnomAD 0.01%). This variant has not been reported in the literature in individuals affected with PLEC-related conditions. ClinVar contains an entry for this variant (Variation ID: 2058021). Invitae Evidence Modeling of protein sequence and biophysical properties (such as structural, functional, and spatial information, amino acid conservation, physicochemical variation, residue mobility, and thermodynamic stability) indicates that this missense variant is not expected to disrupt PLEC protein function with a negative predictive value of 80%. In summary, the available evidence is currently insufficient to determine the role of this variant in disease. Therefore, it has been classified as a Variant of Uncertain Significance.

Revvity Omics, Revvity
Classification: Uncertain significance. Last evaluated: 2024-08-13. Review status: criteria provided, single submitter. Criteria: ACMG Guidelines, 2015. Collection method: clinical testing. Allele origin: germline.

NM_201384.3(PLEC):c.3439G>A (p.Asp1147Asn)

Gene: PLEC (plectin; minus strand). Cytogenetic location: 8q24.3.
Variant type: single nucleotide variant.
Coding change: c.3439G>A on transcript NM_201384.3 (MANE Select); coding-DNA position 3439, G replaced by A.
Protein change: p.Asp1147Asn; replaces aspartic acid 1147 with asparagine.
Molecular consequence: missense variant.
Genome position (GRCh38, 1-based): chr8:143,927,727, C>T on the plus strand (G>A on the coding strand, the complement: PLEC is on the minus strand). VCF-style: chr8-143927727-C-T. GRCh37 (hg19) VCF-style: chr8-145001895-C-T.
Other names: c.3520G>A (NM_000445.4); c.3520G>A, p.Asp1174Asn (NM_000445.5, NM_001410941.1); c.3397G>A, p.Asp1133Asn (NM_201378.4); c.3373G>A, p.Asp1125Asn (NM_201379.3); c.3850G>A, p.Asp1284Asn (NM_201380.4); c.3343G>A, p.Asp1115Asn (NM_201381.3); c.3439G>A, p.Asp1147Asn (NM_201382.4); c.3451G>A, p.Asp1151Asn (NM_201383.3); short protein forms D1147N, D1174N, D1125N, D1284N, D1115N, D1133N, D1151N.
Identifiers: ClinVar variation 2058021 (VCV002058021.6), dbSNP rs782758381, ClinGen allele CA4927064.